The following is an entry in ClinVar:

NM_001042492.3(NF1):c.5523A>C (p.Gln1841His)

Gene: NF1 (neurofibromin 1; plus strand). Cytogenetic location: 17q11.2.
Variant type: single nucleotide variant.
Coding change: c.5523A>C on transcript NM_001042492.3 (MANE Select); coding-DNA position 5523, A replaced by C.
Protein change: p.Gln1841His; replaces glutamine 1841 with histidine.
Molecular consequence: missense variant.
Genome position (GRCh38, 1-based): chr17:31,327,753, A>C. VCF-style: chr17-31327753-A-C. GRCh37 (hg19) VCF-style: chr17-29654771-A-C.
Other names: c.5460A>C, p.Gln1820His (NM_000267.4); short protein forms Q1820H, Q1841H.
Identifiers: ClinVar variation 3878996 (VCV003878996.1).

ClinVar aggregate classification (germline): Uncertain significance (1 of 4 stars; one submission).

Conditions:
Cardiovascular phenotype. Identifiers: MedGen CN230736.
Hereditary cancer-predisposing syndrome. Also called: Tumor predisposition; Neoplastic Syndromes, Hereditary; Hereditary Cancer Syndrome; Hereditary neoplastic syndrome. Identifiers: Orphanet 140162, MedGen C0027672, MeSH D009386, MONDO:0015356.

Submission:

Ambry Genetics
Classification: Uncertain significance for Cardiovascular phenotype; Hereditary cancer-predisposing syndrome. Last evaluated: 2024-12-13. Review status: criteria provided, single submitter. Criteria: Ambry Variant Classification Scheme 2023. Collection method: clinical testing. Allele origin: germline.
Comment: The p.Q1820H variant (also known as c.5460A>C), located in coding exon 37 of the NF1 gene, results from an A to C substitution at nucleotide position 5460. The glutamine at codon 1820 is replaced by histidine, an amino acid with highly similar properties. This amino acid position is conserved. In addition, the in silico prediction for this alteration is inconclusive. Based on the available evidence, the clinical significance of this variant remains unclear.